The following is an entry in ClinVar:

NM_020937.4(FANCM):c.2158C>T (p.Pro720Ser)

Gene: FANCM (FA complementation group M; plus strand). Cytogenetic location: 14q21.2.
Variant type: single nucleotide variant.
Coding change: c.2158C>T on transcript NM_020937.4 (MANE Select); coding-DNA position 2158, C replaced by T.
Protein change: p.Pro720Ser; replaces proline 720 with serine.
Molecular consequence: missense variant.
Genome position (GRCh38, 1-based): chr14:45,170,744, C>T. VCF-style: chr14-45170744-C-T. GRCh37 (hg19) VCF-style: chr14-45639947-C-T.
Other names: c.2158C>T (LRG_502t1); c.2080C>T, p.Pro694Ser (NM_001308133.2); short protein forms P720S, P694S.
Identifiers: ClinVar variation 526355 (VCV000526355.18), dbSNP rs751262177, ClinGen allele CA7169242.

ClinVar aggregate classification (germline): Conflicting classifications of pathogenicity. Review status: criteria provided, conflicting classifications (1 of 4 stars). 7 submissions from 7 submitters: Uncertain significance (6); Likely benign (1). Last evaluated 2025-12-24.

Conditions:
Spermatogenic failure 28. Identifiers: MedGen C4748117, MONDO:0054732, OMIM 618086.
Premature ovarian failure 15. Identifiers: MedGen C4748170, MONDO:0054862, OMIM 618096.
Hereditary cancer-predisposing syndrome. Also called: Hereditary neoplastic syndrome; Tumor predisposition; Neoplastic Syndromes, Hereditary; Hereditary Cancer Syndrome. Identifiers: Orphanet 140162, MedGen C0027672, MeSH D009386, MONDO:0015356.
Inborn genetic diseases. Identifiers: MedGen C0950123, MeSH D030342.
Fanconi anemia (FA). Also called: Fanconi's anemia. Identifiers: Orphanet 84, MedGen C0015625, MeSH D005199, MONDO:0019391.

Allele frequency attached by ClinVar (database versions not stated): ExAC 0.00002; gnomAD exomes 0.00002; gnomAD 0.00003 and 0.00004; TOPMed 0.00005.
gnomAD v4.1: 14 of 1,609,034 alleles (0.00087%); highest among the groups gnomAD compares: Admixed American, 0.01%; no homozygotes.

Submissions (8):

Labcorp Genetics (formerly Invitae), Labcorp
Classification: Uncertain significance for Fanconi anemia. Last evaluated: 2025-12-24. Review status: criteria provided, single submitter. Criteria: Invitae Variant Classification Sherloc (09022015). Collection method: clinical testing. Allele origin: germline.
Comment: This sequence change replaces proline, which is neutral and non-polar, with serine, which is neutral and polar, at codon 720 of the FANCM protein (p.Pro720Ser). This variant is present in population databases (rs751262177, gnomAD 0.004%). This variant has not been reported in the literature in individuals affected with FANCM-related conditions. ClinVar contains an entry for this variant (Variation ID: 526355). An algorithm developed to predict the effect of missense changes on protein structure and function outputs the following: PolyPhen-2: "Benign". The serine amino acid residue is found in multiple mammalian species, which suggests that this missense change does not adversely affect protein function. In summary, the available evidence is currently insufficient to determine the role of this variant in disease. Therefore, it has been classified as a Variant of Uncertain Significance.

Blueprint Genetics
Classification: Uncertain significance. Last evaluated: 2024-09-09. Review status: criteria provided, single submitter. Criteria: ACMG Guidelines, 2015. Collection method: clinical testing. Allele origin: germline.

Ambry Genetics
Classification: Uncertain significance for Inborn genetic diseases. Last evaluated: 2024-08-12. Review status: criteria provided, single submitter. Criteria: Ambry Variant Classification Scheme 2023. Collection method: clinical testing. Allele origin: germline.

Mendelics
Classification: Likely benign for Hereditary cancer-predisposing syndrome. Last evaluated: 2024-04-08. Review status: criteria provided, single submitter. Criteria: ACMG Guidelines, 2015. Collection method: clinical testing. Allele origin: unknown.

GeneDx
Classification: Uncertain significance. Last evaluated: 2023-11-08. Review status: criteria provided, single submitter. Criteria: GeneDx Variant Classification Process June 2021. Collection method: clinical testing. Allele origin: germline.
Comment: Not observed at significant frequency in large population cohorts (gnomAD); In silico analysis supports that this missense variant has a deleterious effect on protein structure/function; Observed in individual(s) with renal cell carcinoma in published literature (PMID: 26689913); This variant is associated with the following publications: (PMID: 26689913)

Fulgent Genetics
Classification: Uncertain significance for Spermatogenic failure 28; Premature ovarian failure 15. Last evaluated: 2021-11-29. Review status: criteria provided, single submitter. Criteria: ACMG Guidelines, 2015. Collection method: clinical testing. Allele origin: unknown.

Sema4
Classification: Uncertain significance for Hereditary cancer-predisposing syndrome. Last evaluated: 2021-09-16. Review status: criteria provided, single submitter. Criteria: Sema4 Curation Guidelines. Collection method: curation. Allele origin: germline.
Comment: The FANCM c.2158C>T (p.P720S) variant has not been reported in the literature to our knowledge. It was observed in 4/113334 chromosomes of the Non-Finnish European subpopulation in the large and broad cohorts of the Genome Aggregation Database (PMID: 32461654). The variant has been reported in ClinVar (Variation ID: 526355). In silico tools suggest the impact of the variant on protein function is benign, though these predictions have not been confirmed by functional studies. The evidence is insufficient to meet ACMG/AMP criteria for classifying the variant as benign or pathogenic. Thus, the clinical significance of this variant is currently uncertain.

Dr. Peter K. Rogan Lab, Western University
No classification provided (evidence only). Condition: Clear cell carcinoma of kidney. Review status: no classification provided. Collection method: in vitro. Allele origin: not applicable. Functional consequence: retained intron. Not counted in ClinVar's aggregate classification.